The following is an entry in ClinVar:

NM_000996.4(RPL35A):c.-33+16G>C

Genes: IQCG (IQ motif containing G; minus strand), RPL35A (ribosomal protein L35a; plus strand). Cytogenetic location: 3q29.
Variant type: single nucleotide variant.
Coding change: c.-33+16G>C on transcript NM_000996.4 (MANE Select); 16 bases into the intron after 33 bases upstream of the start codon, G replaced by C.
Molecular consequence: intron variant. On other transcripts: 5 prime UTR variant (1).
Genome position (GRCh38, 1-based): chr3:197,950,237, G>C. VCF-style: chr3-197950237-G-C. GRCh37 (hg19) VCF-style: chr3-197677108-G-C.
Other names: c.-95G>C (NM_001316311.2); c.-49-6186C>G (NM_001323028.2); c.-59-4551C>G (NM_032263.5); c.-374-4551C>G (NM_001323029.2).
Identifiers: ClinVar variation 517048 (VCV000517048.1), dbSNP rs143337408, ClinGen allele CA91021879.

ClinVar aggregate classification (germline): Likely benign (1 of 4 stars; one submission).

Allele frequency attached by ClinVar (database versions not stated): 1000 Genomes Project 30x 0.00094; 1000 Genomes Project 0.00120; TOPMed 0.00222.
gnomAD v4.1: 3,714 of 1,230,904 alleles (0.3%); highest among the groups gnomAD compares: Non-Finnish European, 0.33%; 11 homozygotes.

Submission:

GeneDx
Classification: Likely benign. Last evaluated: 2017-11-27. Review status: criteria provided, single submitter. Criteria: GeneDx Variant Classification (06012015). Collection method: clinical testing. Allele origin: germline. Affected: yes.
Comment: This variant is considered likely benign or benign based on one or more of the following criteria: it is a conservative change, it occurs at a poorly conserved position in the protein, it is predicted to be benign by multiple in silico algorithms, and/or has population frequency not consistent with disease.